The following is an entry in ClinVar:

NM_018489.3(ASH1L):c.4361C>G (p.Thr1454Arg)

Gene: ASH1L (ASH1 like histone lysine methyltransferase; minus strand). Cytogenetic location: 1q22.
Variant type: single nucleotide variant.
Coding change: c.4361C>G on transcript NM_018489.3 (MANE Select); coding-DNA position 4361, C replaced by G.
Protein change: p.Thr1454Arg; replaces threonine 1454 with arginine.
Molecular consequence: missense variant.
Genome position (GRCh38, 1-based): chr1:155,478,509, G>C on the plus strand (C>G on the coding strand, the complement: ASH1L is on the minus strand). VCF-style: chr1-155478509-G-C. GRCh37 (hg19) VCF-style: chr1-155448300-G-C.
Other names: c.4361C>G, p.Thr1454Arg (NM_001366177.2); short protein forms T1454R.
Identifiers: ClinVar variation 740910 (VCV000740910.6), dbSNP rs189590412, ClinGen allele CA1146953.
Genomic context (GRCh38, chr1:155,478,509, plus strand): 5'-GCCATCTCAGGAGGAACACTGGGGTAGGTACTCATGGAAAGGAGGGGAGTCCTGCTGGTT[G>C]TAAGAAAGGCCTCCTGTCGAAGTAGCTTATGCTTTTTCTTATGGTATTTGGCAGGATTGA-3'
Protein context (NP_060959.2, residues 1444-1464): HKLLRQEAFL[Thr1454Arg]TSRTPLLSMS

ClinVar aggregate classification (germline): Likely benign. Review status: criteria provided, single submitter (1 of 4 stars). 2 submissions from 2 submitters: Likely benign (1). 1 of the submissions does not count toward it. Last evaluated 2019-12-31.

Conditions:
ASH1L-related disorder. Also called: ASH1L-related condition.

Allele frequency attached by ClinVar (database versions not stated): ESP Exome Variant Server 0.00008; 1000 Genomes Project 30x 0.00016; TOPMed 0.00024.
gnomAD v4.1: 137 of 1,614,114 alleles (0.0085%); highest among the groups gnomAD compares: East Asian, 0.094%; 1 homozygote.

Submissions (2):

Labcorp Genetics (formerly Invitae), Labcorp
Classification: Likely benign. Last evaluated: 2019-12-31. Review status: criteria provided, single submitter. Criteria: Invitae Variant Classification Sherloc (09022015). Collection method: clinical testing. Allele origin: germline.

PreventionGenetics, part of Exact Sciences
Classification: Likely benign for ASH1L-related condition. Last evaluated: 2022-11-03. Review status: no assertion criteria provided. Collection method: clinical testing. Allele origin: germline. Not counted in ClinVar's aggregate classification.
Comment: This variant is classified as likely benign based on ACMG/AMP sequence variant interpretation guidelines (Richards et al. 2015 PMID: 25741868, with internal and published modifications).